The following is an entry in ClinVar:

ClinVar aggregate classification (germline): Uncertain significance (1 of 4 stars; one submission).

gnomAD v4.1: 5 of 1,122,619 alleles (0.00045%); highest among the groups gnomAD compares: Non-Finnish European, 0.00059%; no homozygotes.

Submission:

Labcorp Genetics (formerly Invitae), Labcorp
Classification: Uncertain significance. Last evaluated: 2024-09-09. Review status: criteria provided, single submitter. Criteria: Invitae Variant Classification Sherloc (09022015). Collection method: clinical testing. Allele origin: germline.
Comment: This sequence change replaces alanine, which is neutral and non-polar, with aspartic acid, which is acidic and polar, at codon 1134 of the AMER1 protein (p.Ala1134Asp). This variant is not present in population databases (gnomAD no frequency). This variant has not been reported in the literature in individuals affected with AMER1-related conditions. An algorithm developed to predict the effect of missense changes on protein structure and function (PolyPhen-2) suggests that this variant is likely to be disruptive. In summary, the available evidence is currently insufficient to determine the role of this variant in disease. Therefore, it has been classified as a Variant of Uncertain Significance.

NM_152424.4(AMER1):c.3401C>A (p.Ala1134Asp)

Gene: AMER1 (APC membrane recruitment protein 1; minus strand). Cytogenetic location: Xq11.2.
Variant type: single nucleotide variant.
Coding change: c.3401C>A on transcript NM_152424.4 (MANE Select); coding-DNA position 3401, C replaced by A.
Protein change: p.Ala1134Asp; replaces alanine 1134 with aspartic acid.
Molecular consequence: missense variant.
Genome position (GRCh38, 1-based): chrX:64,189,886, G>T on the plus strand (C>A on the coding strand, the complement: AMER1 is on the minus strand). VCF-style: chrX-64189886-G-T. GRCh37 (hg19) VCF-style: chrX-63409766-G-T.
Other names: short protein forms A1134D.
Identifiers: ClinVar variation 3604053 (VCV003604053.2).